The following is an entry in ClinVar:

NM_005982.4(SIX1):c.*1496C>T

Gene: SIX1 (SIX homeobox 1; minus strand). Cytogenetic location: 14q23.1.
Variant type: single nucleotide variant.
Coding change: c.*1496C>T on transcript NM_005982.4 (MANE Select); 1496 bases downstream of the stop codon, C replaced by T.
Molecular consequence: 3 prime UTR variant.
Genome position (GRCh38, 1-based): chr14:60,644,787, G>A on the plus strand (C>T on the coding strand, the complement: SIX1 is on the minus strand). VCF-style: chr14-60644787-G-A. GRCh37 (hg19) VCF-style: chr14-61111505-G-A.
Identifiers: ClinVar variation 313442 (VCV000313442.5), dbSNP rs61993831, ClinGen allele CA10634997.

ClinVar aggregate classification (germline): Benign. Review status: criteria provided, single submitter (1 of 4 stars). 2 submissions from 1 submitter: Benign (2). Last evaluated 2018-01-13.

Conditions:
Branchiootic syndrome 3 (BOS3). Also called: BO SYNDROME 3. Identifiers: MedGen C1842124, MONDO:0012025, OMIM 608389.
Autosomal dominant nonsyndromic hearing loss 23. Identifiers: Orphanet 90635, MedGen C1854594, MONDO:0011519, OMIM 605192.

Allele frequency attached by ClinVar (database versions not stated): 1000 Genomes Project 30x 0.00297; 1000 Genomes Project 0.00319; TOPMed 0.00857; gnomAD 0.00938 and 0.00969.

Submissions (2):

Illumina Laboratory Services, Illumina
Classification: Benign for Branchiootic syndrome 3. Last evaluated: 2018-01-13. Review status: criteria provided, single submitter. Criteria: ICSL Variant Classification Criteria 13 December 2019. Collection method: clinical testing. Allele origin: germline.
Comment: This variant was observed in the ICSL laboratory as part of a predisposition screen in an ostensibly healthy population. It had not been previously curated by ICSL or reported in the Human Gene Mutation Database (HGMD: prior to June 1st, 2018), and was therefore a candidate for classification through an automated scoring system. Utilizing variant allele frequency, disease prevalence and penetrance estimates, and inheritance mode, an automated score was calculated to assess if this variant is too frequent to cause the disease. Based on the score and internal cut-off values, a variant classified as benign is not then subjected to further curation. The score for this variant resulted in a classification of benign for this disease.

Illumina Laboratory Services, Illumina
Classification: Benign for Autosomal dominant nonsyndromic hearing loss 23. Last evaluated: 2018-01-13. Review status: criteria provided, single submitter. Criteria: ICSL Variant Classification Criteria 13 December 2019. Collection method: clinical testing. Allele origin: germline.
Comment: the same text as in the submission from Illumina Laboratory Services, Illumina above.